The following is an entry in ClinVar:

ClinVar aggregate classification (germline): Uncertain significance (1 of 4 stars; one submission).

Conditions:
SLC25A13-related disorder. Also called: SLC25A13-related condition.

Submission:

PreventionGenetics, part of Exact Sciences
Classification: Uncertain significance for SLC25A13-related condition. Last evaluated: 2025-10-06. Review status: criteria provided, single submitter. Criteria: ACMG Guidelines, 2015. Collection method: clinical testing. Allele origin: germline.
Comment: The SLC25A13 c.1121_1122delinsAT variant is predicted to result in an in-frame deletion and insertion. To our knowledge, this variant has not been reported in the literature or in a large population database (gnomAD), indicating this variant is rare. At this time, the clinical significance of this variant is uncertain due to the absence of conclusive functional and genetic evidence.

NM_014251.3(SLC25A13):c.1121_1122delinsAT (p.Ser374Asn)

Gene: SLC25A13 (solute carrier family 25 member 13; minus strand). Cytogenetic location: 7q21.3.
Variant type: Indel.
Coding change: c.1121_1122delinsAT on transcript NM_014251.3 (MANE Select); coding-DNA positions 1121 to 1122, GC replaced by AT.
Protein change: p.Ser374Asn; replaces serine 374 with asparagine.
Molecular consequence: missense variant. On other transcripts: non-coding transcript variant (1).
Genome position (GRCh38, 1-based): chr7:96,184,332-96,184,333, GC replaced by AT on the plus strand (GC replaced by AT on the coding strand, the reverse complement: SLC25A13 is on the minus strand). VCF-style: chr7-96184332-GC-AT. GRCh37 (hg19) VCF-style: chr7-95813644-GC-AT.
Other names: c.1124_1125delinsAT, p.Ser375Asn (NM_001160210.2); short protein forms S375N, S374N.
Identifiers: ClinVar variation 4992682 (VCV004992682.1).